The following is an entry in ClinVar:

NM_080425.4(GNAS):c.1664C>A (p.Ser555Tyr)

Gene: GNAS (GNAS complex locus; plus strand). Cytogenetic location: 20q13.32.
Variant type: single nucleotide variant.
Coding change: c.1664C>A on transcript NM_080425.4 (MANE Plus Clinical); coding-DNA position 1664, C replaced by A.
Protein change: p.Ser555Tyr; replaces serine 555 with tyrosine.
Molecular consequence: missense variant. On other transcripts: intron variant (3).
Genome position (GRCh38, 1-based): chr20:58,854,929, C>A. VCF-style: chr20-58854929-C-A. GRCh37 (hg19) VCF-style: chr20-57429984-C-A.
Other names: c.1477C>A, p.Pro493Thr (NM_001077490.3, NM_001309883.1); c.1664C>A, p.Ser555Tyr (NM_001410913.1); c.*42+14043C>A (NM_016592.5); c.43+14043C>A (NM_001410912.1); c.-39+13054C>A (NM_001309861.2); short protein forms P493T, S555Y.
Identifiers: ClinVar variation 3348333 (VCV003348333.1).
Genomic context (GRCh38, chr20:58,854,929, plus strand): 5'-TCCAGGCTGCCGATCCGCCTACTCCGCGGCCTACTCGCGCGTCTGCCTGGCGGGGCAAGT[C>A]CGAGAGCAGCCGCGGCCGCCGCGTGTACTACGATGAAGGGGTGGCCAGCAGCGACGATGA-3'
Protein context (NP_536350.2, residues 545-565): PTRASAWRGK[Ser555Tyr]ESSRGRRVYY

ClinVar aggregate classification (germline): Uncertain significance (0 of 4 stars; one submission).

Conditions:
GNAS-related disorder. Identifiers: MedGen CN380105.

Submission:

PreventionGenetics, part of Exact Sciences
Classification: Uncertain significance for GNAS-related condition. Last evaluated: 2024-03-26. Review status: no assertion criteria provided. Collection method: clinical testing. Allele origin: germline.
Comment: The GNAS c.1664C>A variant is predicted to result in the amino acid substitution p.Ser555Tyr. To our knowledge, this variant has not been reported in the literature or in a large population database, indicating this variant is rare. At this time, the clinical significance of this variant is uncertain due to the absence of conclusive functional and genetic evidence.